The following is an entry in ClinVar:

ClinVar aggregate classification (germline): Conflicting classifications of pathogenicity. Review status: criteria provided, conflicting classifications (1 of 4 stars). 7 submissions from 7 submitters: Uncertain significance (6); Likely benign (1). Last evaluated 2025-12-16.

Conditions:
Arrhythmogenic right ventricular dysplasia 8 (ARVD8). Also called: Arrhythmogenic Right Ventricular Dysplasia/Cardiomyopathy 8; ARRHYTHMOGENIC RIGHT VENTRICULAR CARDIOMYOPATHY 8; ARRHYTHMOGENIC RIGHT VENTRICULAR DYSPLASIA, FAMILIAL, 8. Identifiers: MedGen C1843896, MONDO:0011831, OMIM 607450.
Arrhythmogenic cardiomyopathy with wooly hair and keratoderma. Also called: Dilated cardiomyopathy with woolly hair and keratoderma; PALMOPLANTAR KERATODERMA WITH LEFT VENTRICULAR CARDIOMYOPATHY AND WOOLLY HAIR; Carvajal syndrome; Arrhythmogenic cardiomyopathy with woolly hair and keratoderma. Identifiers: Orphanet 65282, MedGen C1854063, MONDO:0011581, OMIM 605676.
Cardiovascular phenotype. Identifiers: MedGen CN230736.
Cardiomyopathy, dilated, with wooly hair, keratoderma, and tooth agenesis. Also called: Erythrokeratodermia-cardiomyopathy syndrome; Cardiomyopathy, dilated, with woolly hair, keratoderma, and tooth agenesis. Identifiers: Orphanet 476096, Orphanet 65282, MedGen C4014393, MONDO:0014355, OMIM 615821.
Woolly hair-skin fragility syndrome (WHSF). Identifiers: Orphanet 293165, MedGen C1843292, MONDO:0957307, OMIM 620415.
Lethal acantholytic epidermolysis bullosa (EBLA). Identifiers: Orphanet 158687, MedGen C1864826, MONDO:0012323, OMIM 609638.
Keratosis palmoplantaris striata 2. Also called: KERATODERMA, PALMOPLANTAR, STRIATE FORM II; STRIATE PALMOPLANTAR KERATODERMA II; Keratosis palmoplantaris striata II. Identifiers: MedGen C1852127, MONDO:0013034, OMIM 612908.
Cardiomyopathy (CMYO). Also called: Cardiomyopathies. Identifiers: Orphanet 167848, MedGen C0878544, MONDO:0004994, HP:0001638. Inheritance: Various modes of inheritance.
DSP-related disorder. Also called: DSP-related condition; DSP-related disorders.

Allele frequency attached by ClinVar (database versions not stated): gnomAD exomes 0.00001 and 0.00002; gnomAD 0.00004; TOPMed 0.00004; 1000 Genomes Project 30x 0.00031.
gnomAD v4.1: 35 of 1,614,022 alleles (0.0022%); highest among the groups gnomAD compares: East Asian, 0.013%; no homozygotes.

Submissions (7):

Ambry Genetics
Classification: Uncertain significance for Cardiovascular phenotype. Last evaluated: 2025-12-16. Review status: criteria provided, single submitter. Criteria: Ambry Variant Classification Scheme 2023. Collection method: clinical testing. Allele origin: germline.

Labcorp Genetics (formerly Invitae), Labcorp
Classification: Likely benign for Arrhythmogenic cardiomyopathy with wooly hair and keratoderma; Arrhythmogenic right ventricular dysplasia 8. Last evaluated: 2025-11-17. Review status: criteria provided, single submitter. Criteria: Invitae Variant Classification Sherloc (09022015). Collection method: clinical testing. Allele origin: germline.

PreventionGenetics, part of Exact Sciences
Classification: Uncertain significance for DSP-related condition. Last evaluated: 2025-10-08. Review status: criteria provided, single submitter. Criteria: ACMG Guidelines, 2015. Collection method: clinical testing. Allele origin: germline.
Comment: The DSP c.4199G>A variant is predicted to result in the amino acid substitution p.Arg1400Gln. To our knowledge, this variant has not been reported in the literature. This variant is reported in 0.0050% of alleles in individuals of East Asian descent in gnomAD. At this time, the clinical significance of this variant is uncertain due to the absence of conclusive functional and genetic evidence.

All of Us Research Program, National Institutes of Health
Classification: Uncertain significance for Arrhythmogenic cardiomyopathy with wooly hair and keratoderma. Last evaluated: 2024-08-13. Review status: criteria provided, single submitter. Criteria: ACMG Guidelines, 2015. Collection method: clinical testing. Allele origin: germline. Inheritance: Autosomal dominant inheritance. Observed: 9 variant alleles, 9 heterozygotes.
Comment: This missense variant replaces arginine with glutamine at codon 1400 of the DSP protein. Computational prediction suggests that this variant may not impact protein structure and function (internally defined REVEL score threshold <= 0.5, PMID: 27666373). To our knowledge, functional studies have not been reported for this variant. This variant has not been reported in individuals affected with DSP-related disorders in the literature. This variant has been identified in 5/282572 chromosomes in the general population by the Genome Aggregation Database (gnomAD). The available evidence is insufficient to determine the role of this variant in disease conclusively. Therefore, this variant is classified as a Variant of Uncertain Significance.

This study involves interpretation of variants in research participants for the purpose of population health screening. Participant phenotype was not available at the time of variant classification. Additional details can be found in publication PMID: 35346344, PMCID: PMC8962531

Color Diagnostics, LLC DBA Color Health
Classification: Uncertain significance for Cardiomyopathy. Last evaluated: 2024-05-03. Review status: criteria provided, single submitter. Criteria: ACMG Guidelines, 2015. Collection method: clinical testing. Allele origin: germline.
Comment: This missense variant replaces arginine with glutamine at codon 1400 of the DSP protein. Computational prediction suggests that this variant may not impact protein structure and function (internally defined REVEL score threshold <= 0.5, PMID: 27666373). To our knowledge, functional studies have not been reported for this variant. This variant has not been reported in individuals affected with DSP-related disorders in the literature. This variant has been identified in 5/282572 chromosomes in the general population by the Genome Aggregation Database (gnomAD). The available evidence is insufficient to determine the role of this variant in disease conclusively. Therefore, this variant is classified as a Variant of Uncertain Significance.

Fulgent Genetics
Classification: Uncertain significance for Arrhythmogenic cardiomyopathy with wooly hair and keratoderma; Arrhythmogenic right ventricular dysplasia 8; Lethal acantholytic epidermolysis bullosa; Keratosis palmoplantaris striata 2; Cardiomyopathy, dilated, with wooly hair, keratoderma, and tooth agenesis. Last evaluated: 2021-08-23. Review status: criteria provided, single submitter. Criteria: ACMG Guidelines, 2015. Collection method: clinical testing. Allele origin: unknown.

CHEO Genetics Diagnostic Laboratory, Children's Hospital of Eastern Ontario
Classification: Uncertain significance for Cardiomyopathy. Last evaluated: 2015-09-21. Review status: criteria provided, single submitter. Criteria: ACMG Guidelines, 2015. Collection method: clinical testing. Allele origin: germline. Study: Canadian Open Genetics Repository.

NM_004415.4(DSP):c.4199G>A (p.Arg1400Gln)

Gene: DSP (desmoplakin; plus strand). Cytogenetic location: 6p24.3.
Variant type: single nucleotide variant.
Coding change: c.4199G>A on transcript NM_004415.4 (MANE Select); coding-DNA position 4199, G replaced by A.
Protein change: p.Arg1400Gln; replaces arginine 1400 with glutamine.
Molecular consequence: missense variant. On other transcripts: intron variant (2).
Genome position (GRCh38, 1-based): chr6:7,580,389, G>A. VCF-style: chr6-7580389-G-A. GRCh37 (hg19) VCF-style: chr6-7580622-G-A.
Other names: c.4199G>A (LRG_423t1, NM_004415.3); c.4050+149G>A (NM_001319034.2); c.3582+617G>A (NM_001008844.3); short protein forms R1400Q.
Identifiers: ClinVar variation 626741 (VCV000626741.25), dbSNP rs748109826, ClinGen allele CA133969385.